The following is an entry in ClinVar:

NM_000136.3(FANCC):c.1298G>C (p.Arg433Pro)

Genes: AOPEP (aminopeptidase O (putative); plus strand), FANCC (FA complementation group C; minus strand). Cytogenetic location: 9q22.32.
Variant type: single nucleotide variant.
Coding change: c.1298G>C on transcript NM_000136.3 (MANE Select); coding-DNA position 1298, G replaced by C.
Protein change: p.Arg433Pro; replaces arginine 433 with proline.
Molecular consequence: missense variant.
Genome position (GRCh38, 1-based): chr9:95,111,494, C>G on the plus strand (G>C on the coding strand, the complement: FANCC is on the minus strand). VCF-style: chr9-95111494-C-G. GRCh37 (hg19) VCF-style: chr9-97873776-C-G.
Other names: c.1298G>C, p.Arg433Pro (NM_001243743.2, NM_001243744.2); short protein forms R433P.
Identifiers: ClinVar variation 3230360 (VCV003230360.2), dbSNP rs768676102, ClinGen allele CA374107282.
Genomic context (GRCh38, chr9:95,111,494, plus strand): 5'-AAACACATGCAGTGGGGCCTGCTACCCACCATAGTCTGTGCTCTCTGCTGCCTCCCATCA[C>G]GGGGGCCGTAGTAGAAGGCCAAGAGCCACAGCAGGGCCGTGGGGGGTTCGGCTGCCGACA-3'
Protein context (NP_000127.2, residues 423-443): LWLLAFYYGP[Arg433Pro]DGRQQRAQTM

ClinVar aggregate classification (germline): Uncertain significance. Review status: criteria provided, multiple submitters, no conflicts (2 of 4 stars). 2 submissions from 2 submitters: Uncertain significance (2). Last evaluated 2025-10-26.

Conditions:
Hereditary cancer-predisposing syndrome. Also called: Neoplastic Syndromes, Hereditary; Tumor predisposition; Hereditary neoplastic syndrome; Hereditary Cancer Syndrome. Identifiers: Orphanet 140162, MedGen C0027672, MeSH D009386, MONDO:0015356.
Fanconi anemia (FA). Also called: Fanconi's anemia. Identifiers: Orphanet 84, MedGen C0015625, MeSH D005199, MONDO:0019391.

Submissions (2):

Labcorp Genetics (formerly Invitae), Labcorp
Classification: Uncertain significance for Fanconi anemia. Last evaluated: 2025-10-26. Review status: criteria provided, single submitter. Criteria: Invitae Variant Classification Sherloc (09022015). Collection method: clinical testing. Allele origin: germline.
Comment: This sequence change replaces arginine, which is basic and polar, with proline, which is neutral and non-polar, at codon 433 of the FANCC protein (p.Arg433Pro). This variant is not present in population databases (gnomAD no frequency). This variant has not been reported in the literature in individuals affected with FANCC-related conditions. ClinVar contains an entry for this variant (Variation ID: 3230360). Invitae Evidence Modeling of protein sequence and biophysical properties (such as structural, functional, and spatial information, amino acid conservation, physicochemical variation, residue mobility, and thermodynamic stability) indicates that this missense variant is not expected to disrupt FANCC protein function with a negative predictive value of 80%. In summary, the available evidence is currently insufficient to determine the role of this variant in disease. Therefore, it has been classified as a Variant of Uncertain Significance.

Ambry Genetics
Classification: Uncertain significance for Hereditary cancer-predisposing syndrome. Last evaluated: 2024-03-09. Review status: criteria provided, single submitter. Criteria: Ambry Variant Classification Scheme 2023. Collection method: clinical testing. Allele origin: germline.
Comment: The p.R433P variant (also known as c.1298G>C), located in coding exon 12 of the FANCC gene, results from a G to C substitution at nucleotide position 1298. The arginine at codon 433 is replaced by proline, an amino acid with dissimilar properties. This amino acid position is conserved. In addition, this alteration is predicted to be tolerated by in silico analysis. Based on the available evidence, the clinical significance of this alteration remains unclear.